The following is an entry in ClinVar:

NM_172364.5(CACNA2D4):c.1499A>G (p.Gln500Arg)

Gene: CACNA2D4 (calcium voltage-gated channel auxiliary subunit alpha2delta 4; minus strand). Cytogenetic location: 12p13.33.
Variant type: single nucleotide variant.
Coding change: c.1499A>G on transcript NM_172364.5 (MANE Select); coding-DNA position 1499, A replaced by G.
Protein change: p.Gln500Arg; replaces glutamine 500 with arginine.
Molecular consequence: missense variant.
Genome position (GRCh38, 1-based): chr12:1,879,868, T>C on the plus strand (A>G on the coding strand, the complement: CACNA2D4 is on the minus strand). VCF-style: chr12-1879868-T-C. GRCh37 (hg19) VCF-style: chr12-1989034-T-C.
Other names: short protein forms Q500R.
Identifiers: ClinVar variation 3710779 (VCV003710779.3).

ClinVar aggregate classification (germline): Uncertain significance. Review status: criteria provided, multiple submitters, no conflicts (2 of 4 stars). 2 submissions from 2 submitters: Uncertain significance (2). Last evaluated 2024-09-19.

gnomAD v4.1: 16 of 1,598,746 alleles (0.001%); highest among the groups gnomAD compares: South Asian, 0.015%; no homozygotes.

Submissions (2):

Labcorp Genetics (formerly Invitae), Labcorp
Classification: Uncertain significance. Last evaluated: 2024-09-19. Review status: criteria provided, single submitter. Criteria: Invitae Variant Classification Sherloc (09022015). Collection method: clinical testing. Allele origin: germline.
Comment: This sequence change replaces glutamine, which is neutral and polar, with arginine, which is basic and polar, at codon 500 of the CACNA2D4 protein (p.Gln500Arg). This variant is present in population databases (rs763275937, gnomAD 0.02%). This variant has not been reported in the literature in individuals affected with CACNA2D4-related conditions. An algorithm developed to predict the effect of missense changes on protein structure and function (PolyPhen-2) suggests that this variant is likely to be tolerated. In summary, the available evidence is currently insufficient to determine the role of this variant in disease. Therefore, it has been classified as a Variant of Uncertain Significance.

Blueprint Genetics
Classification: Uncertain significance. Last evaluated: 2019-08-20. Review status: criteria provided, single submitter. Criteria: ACMG Guidelines, 2015. Collection method: clinical testing. Allele origin: germline.